The following is an entry in ClinVar:

NM_198904.4(GABRG2):c.649G>C (p.Glu217Gln)

Gene: GABRG2 (gamma-aminobutyric acid type A receptor subunit gamma2; plus strand). Cytogenetic location: 5q34.
Variant type: single nucleotide variant.
Coding change: c.649G>C on transcript NM_198904.4 (MANE Select); coding-DNA position 649, G replaced by C.
Protein change: p.Glu217Gln; replaces glutamic acid 217 with glutamine.
Molecular consequence: missense variant.
Genome position (GRCh38, 1-based): chr5:162,103,906, G>C. VCF-style: chr5-162103906-G-C. GRCh37 (hg19) VCF-style: chr5-161530912-G-C.
Other names: c.649G>C, p.Glu217Gln (NM_000816.3, NM_001375340.1, NM_001375341.1 and 2 more transcripts); c.640G>C, p.Glu214Gln (NM_001375339.1); c.769G>C, p.Glu257Gln (NM_001375343.1, NM_198903.2); c.583G>C, p.Glu195Gln (NM_001375345.1, NM_001375346.1); c.562G>C, p.Glu188Gln (NM_001375347.1); c.229G>C, p.Glu77Gln (NM_001375348.1, NM_001375350.1); c.364G>C, p.Glu122Gln (NM_001375349.1); short protein forms E122Q, E217Q, E188Q, E77Q, E195Q, E214Q, E257Q.
Identifiers: ClinVar variation 4789501 (VCV004789501.1).

ClinVar aggregate classification (germline): Uncertain significance (1 of 4 stars; one submission).

Conditions:
Febrile seizures, familial, 8 (FEB8). Also called: CONVULSIONS, FAMILIAL FEBRILE, 8. Identifiers: Orphanet 36387, MedGen C1969810, MONDO:0011891, OMIM 607681.
EPILEPSY, CHILDHOOD ABSENCE, SUSCEPTIBILITY TO, 2 (ECA2). Identifiers: Orphanet 64280, MedGen C1843244, OMIM 607681.

Submission:

Labcorp Genetics (formerly Invitae), Labcorp
Classification: Uncertain significance for Febrile seizures, familial, 8; EPILEPSY, CHILDHOOD ABSENCE, SUSCEPTIBILITY TO, 2. Last evaluated: 2026-01-21. Review status: criteria provided, single submitter. Criteria: Invitae Variant Classification Sherloc (09022015). Collection method: clinical testing. Allele origin: germline.
Comment: This sequence change replaces glutamic acid, which is acidic and polar, with glutamine, which is neutral and polar, at codon 217 of the GABRG2 protein (p.Glu217Gln). This variant is not present in population databases (gnomAD no frequency). This variant has not been reported in the literature in individuals affected with GABRG2-related conditions. Invitae Evidence Modeling of protein sequence and biophysical properties (such as structural, functional, and spatial information, amino acid conservation, physicochemical variation, residue mobility, and thermodynamic stability) indicates that this missense variant is expected to disrupt GABRG2 protein function with a positive predictive value of 95%. In summary, the available evidence is currently insufficient to determine the role of this variant in disease. Therefore, it has been classified as a Variant of Uncertain Significance.